The following is an entry in ClinVar:

ClinVar aggregate classification (germline): Conflicting classifications of pathogenicity. Review status: criteria provided, conflicting classifications (1 of 4 stars). 5 submissions from 5 submitters: Likely pathogenic (1); Uncertain significance (4). Last evaluated 2024-03-25.

Conditions:
Sandhoff disease. Also called: Beta-hexosaminidase-beta-subunit deficiency; GM2 gangliosidosis, type 2; Total hexosaminidase deficiency; Sandhoff-Jatzkewitz-Pilz disease; GM2-GANGLIOSIDOSIS, TYPE II; HEXOSAMINIDASES A AND B DEFICIENCY. Identifiers: Orphanet 796, MedGen C0036161, MONDO:0010006, OMIM 268800.

Submissions (5):

Genomic Medicine Center of Excellence, King Faisal Specialist Hospital and Research Centre
Classification: Uncertain significance for Sandhoff disease. Last evaluated: 2024-03-25. Review status: criteria provided, single submitter. Criteria: ACMG Guidelines, 2015. Collection method: clinical testing. Allele origin: germline.

3billion
Classification: Likely pathogenic for Sandhoff disease. Last evaluated: 2023-12-02. Review status: criteria provided, single submitter. Criteria: ACMG Guidelines, 2015. Collection method: clinical testing. Allele origin: germline. Affected: yes.
Comment: The variant is not observed in the gnomAD v2.1.1 dataset. Predicted Consequence/Location: The majority of the known disease-causing variants of this gene are variants expected to result in premature termination of the protein. Premature termination of the protein is a common disease-causing mechanism for this gene. In silico tool predictions suggest damaging effect of the variant on gene or gene product [REVEL: 0.90 (>=0.6, sensitivity 0.68 and specificity 0.92); 3Cnet: 0.89 (>=0.6, sensitivity 0.72 and precision 0.9)]. Same nucleotide change resulting in same amino acid change has been previously reported as pathogenic/likely pathogenic with strong evidence (PMID: 30075786). Therefore, this variant is classified as Likely pathogenic according to the recommendation of ACMG/AMP guideline.

Genomic Research Center, Shahid Beheshti University of Medical Sciences
Classification: Uncertain significance for Sandhoff disease. Last evaluated: 2019-01-01. Review status: criteria provided, single submitter. Criteria: ACMG Guidelines, 2015. Collection method: clinical testing. Allele origin: inherited. Affected: yes. Observed: 1 variant allele.

CeGaT Center for Human Genetics Tuebingen
Classification: Uncertain significance. Last evaluated: 2017-06-01. Review status: criteria provided, single submitter. Criteria: CeGaT Center For Human Genetics Tuebingen Variant Classification Criteria Version 2. Collection method: clinical testing. Allele origin: germline. Affected: yes. Observed: 1 variant allele.

Eurofins Ntd Llc (ga)
Classification: Uncertain significance. Last evaluated: 2016-07-13. Review status: criteria provided, single submitter. Criteria: EGL Classification Definitions 2015. Collection method: clinical testing. Allele origin: germline. Observed: 1 variant allele, 1 homozygote.

Literature cited by the submitters: PubMed 30075786 (cited by 3billion).

NM_000521.4(HEXB):c.833C>T (p.Ala278Val)

Gene: HEXB (hexosaminidase subunit beta; plus strand). Cytogenetic location: 5q13.3.
Variant type: single nucleotide variant.
Coding change: c.833C>T on transcript NM_000521.4 (MANE Select); coding-DNA position 833, C replaced by T.
Protein change: p.Ala278Val; replaces alanine 278 with valine.
Molecular consequence: missense variant.
Genome position (GRCh38, 1-based): chr5:74,713,567, C>T. VCF-style: chr5-74713567-C-T. GRCh37 (hg19) VCF-style: chr5-74009392-C-T.
Other names: c.158C>T, p.Ala53Val (NM_001292004.2); short protein forms A278V, A53V.
Identifiers: ClinVar variation 289205 (VCV000289205.51), dbSNP rs886044118, ClinGen allele CA10606369.